The following is an entry in ClinVar:

NM_015378.4(VPS13D):c.2030A>G (p.Tyr677Cys)

Gene: VPS13D (vacuolar protein sorting 13 homolog D; plus strand). Cytogenetic location: 1p36.22.
Variant type: single nucleotide variant.
Coding change: c.2030A>G on transcript NM_015378.4 (MANE Select); coding-DNA position 2030, A replaced by G.
Protein change: p.Tyr677Cys; replaces tyrosine 677 with cysteine.
Molecular consequence: missense variant.
Genome position (GRCh38, 1-based): chr1:12,271,051, A>G. VCF-style: chr1-12271051-A-G. GRCh37 (hg19) VCF-style: chr1-12331108-A-G.
Other names: c.2030A>G, p.Tyr677Cys (NM_018156.4); short protein forms Y677C.
Identifiers: ClinVar variation 1498115 (VCV001498115.8), dbSNP rs771276456, ClinGen allele CA601719.

ClinVar aggregate classification (germline): Uncertain significance (1 of 4 stars; one submission).

Allele frequency attached by ClinVar (database versions not stated): gnomAD exomes below 0.00001 and 0.00001; ExAC 0.00001; gnomAD 0.00002 and 0.00003; TOPMed 0.00002.
gnomAD v4.1: 5 of 1,613,914 alleles (0.00031%); highest among the groups gnomAD compares: African/African-American, 0.0067%; no homozygotes.

Submission:

Labcorp Genetics (formerly Invitae), Labcorp
Classification: Uncertain significance. Last evaluated: 2025-02-24. Review status: criteria provided, single submitter. Criteria: Invitae Variant Classification Sherloc (09022015). Collection method: clinical testing. Allele origin: germline.
Comment: This sequence change replaces tyrosine with cysteine at codon 677 of the VPS13D protein (p.Tyr677Cys). The tyrosine residue is moderately conserved and there is a large physicochemical difference between tyrosine and cysteine. This variant is present in population databases (rs771276456, gnomAD 0.02%). This variant has not been reported in the literature in individuals affected with VPS13D-related conditions. ClinVar contains an entry for this variant (Variation ID: 1498115). Invitae Evidence Modeling of protein sequence and biophysical properties (such as structural, functional, and spatial information, amino acid conservation, physicochemical variation, residue mobility, and thermodynamic stability) indicates that this missense variant is expected to disrupt VPS13D protein function with a positive predictive value of 80%. In summary, the available evidence is currently insufficient to determine the role of this variant in disease. Therefore, it has been classified as a Variant of Uncertain Significance.